The following is an entry in ClinVar:

ClinVar aggregate classification (germline): Uncertain significance (1 of 4 stars; one submission).

Conditions:
Neuropathy, hereditary sensory and autonomic, type 2A (HSAN2A). Also called: ACROOSTEOLYSIS, GIACCAI TYPE; ACROOSTEOLYSIS, NEUROGENIC; MORVAN DISEASE; NEUROPATHY, CONGENITAL SENSORY; NEUROPATHY, HEREDITARY SENSORY RADICULAR, AUTOSOMAL RECESSIVE; NEUROPATHY, HEREDITARY SENSORY, TYPE IIA. Identifiers: Orphanet 970, MedGen C2752089, MONDO:0024309, OMIM 201300.
Pseudohypoaldosteronism type 2C (PHA2C). Also called: Pseudohypoaldosteronism Type IIC. Identifiers: Orphanet 757, Orphanet 88940, MedGen C1840391, MONDO:0013778, OMIM 614492.

Submission:

Labcorp Genetics (formerly Invitae), Labcorp
Classification: Uncertain significance for Neuropathy, hereditary sensory and autonomic, type 2A; Pseudohypoaldosteronism type 2C. Last evaluated: 2024-08-16. Review status: criteria provided, single submitter. Criteria: Invitae Variant Classification Sherloc (09022015). Collection method: clinical testing. Allele origin: germline.
Comment: This sequence change replaces threonine, which is neutral and polar, with alanine, which is neutral and non-polar, at codon 1769 of the WNK1 protein (p.Thr1769Ala). This variant is not present in population databases (gnomAD no frequency). This variant has not been reported in the literature in individuals affected with WNK1-related conditions. Invitae Evidence Modeling of protein sequence and biophysical properties (such as structural, functional, and spatial information, amino acid conservation, physicochemical variation, residue mobility, and thermodynamic stability) indicates that this missense variant is not expected to disrupt WNK1 protein function with a negative predictive value of 95%. In summary, the available evidence is currently insufficient to determine the role of this variant in disease. Therefore, it has been classified as a Variant of Uncertain Significance.

NM_018979.4(WNK1):c.4549A>G (p.Thr1517Ala)

Gene: WNK1 (WNK lysine deficient protein kinase 1; plus strand). Cytogenetic location: 12p13.33.
Variant type: single nucleotide variant.
Coding change: c.4549A>G on transcript NM_018979.4 (MANE Select); coding-DNA position 4549, A replaced by G.
Protein change: p.Thr1517Ala; replaces threonine 1517 with alanine.
Molecular consequence: missense variant.
Genome position (GRCh38, 1-based): chr12:885,353, A>G. VCF-style: chr12-885353-A-G. GRCh37 (hg19) VCF-style: chr12-994519-A-G.
Other names: c.5329A>G, p.Thr1777Ala (NM_001184985.2); c.3808A>G, p.Thr1270Ala (NM_014823.3); c.5305A>G, p.Thr1769Ala (NM_213655.5); short protein forms T1270A, T1517A, T1769A, T1777A.
Identifiers: ClinVar variation 3751095 (VCV003751095.2).
Genomic context (GRCh38, chr12:885,353, plus strand): 5'-TCATTCCCAAGCACAGCTTCACAGCTGTGCATTCAGCTTAGCAGCAGTACTTCTACTCCT[A>G]CTTTAGCTGAAACCGTGGTAGTTAGCGCACACTCACTAGATAAGACATCTCATAGCAGTA-3'
Protein context (NP_061852.3, residues 1507-1527): IQLSSSTSTP[Thr1517Ala]LAETVVVSAH